The following is an entry in ClinVar:

NM_000459.5(TEK):c.776C>T (p.Thr259Met)

Gene: TEK (TEK receptor tyrosine kinase; plus strand). Cytogenetic location: 9p21.2.
Variant type: single nucleotide variant.
Coding change: c.776C>T on transcript NM_000459.5 (MANE Select); coding-DNA position 776, C replaced by T.
Protein change: p.Thr259Met; replaces threonine 259 with methionine.
Molecular consequence: missense variant.
Genome position (GRCh38, 1-based): chr9:27,173,237, C>T. VCF-style: chr9-27173237-C-T. GRCh37 (hg19) VCF-style: chr9-27173235-C-T.
Other names: c.776C>T, p.Thr259Met (NM_001290077.2, NM_001375475.1, NM_001375476.1); c.464C>T, p.Thr155Met (NM_001290078.2); short protein forms T259M, T155M.
Identifiers: ClinVar variation 914144 (VCV000914144.4), dbSNP rs138708761, ClinGen allele CA5016019.

ClinVar aggregate classification (germline): Benign (1 of 4 stars; one submission).

Conditions:
Multiple cutaneous and mucosal venous malformations (VMCM). Also called: TEK-Related Multiple Cutaneous and Mucosal Venous Malformations (VMCM). Identifiers: Orphanet 2451, MedGen C1838437, MONDO:0010842, OMIM 600195.

Allele frequency attached by ClinVar (database versions not stated): gnomAD exomes 0.00004 and 0.00005; TOPMed 0.00006; ExAC 0.00004; 1000 Genomes Project 30x 0.00016; 1000 Genomes Project 0.00020.
gnomAD v4.1: 76 of 1,613,998 alleles (0.0047%); highest among the groups gnomAD compares: African/African-American, 0.02%; no homozygotes.

Submission:

Illumina Laboratory Services, Illumina
Classification: Benign for Multiple cutaneous and mucosal venous malformations. Last evaluated: 2018-01-13. Review status: criteria provided, single submitter. Criteria: ICSL Variant Classification Criteria 13 December 2019. Collection method: clinical testing. Allele origin: germline.
Comment: This variant was observed in the ICSL laboratory as part of a predisposition screen in an ostensibly healthy population. It had not been previously curated by ICSL or reported in the Human Gene Mutation Database (HGMD: prior to June 1st, 2018), and was therefore a candidate for classification through an automated scoring system. Utilizing variant allele frequency, disease prevalence and penetrance estimates, and inheritance mode, an automated score was calculated to assess if this variant is too frequent to cause the disease. Based on the score and internal cut-off values, a variant classified as benign is not then subjected to further curation. The score for this variant resulted in a classification of benign for this disease.